The following is an entry in ClinVar:

ClinVar aggregate classification (germline): Likely benign (1 of 4 stars; one submission).

Allele frequency attached by ClinVar (database versions not stated): gnomAD exomes below 0.00001; gnomAD 0.00001; TOPMed 0.00001.
gnomAD v4.1: 3 of 1,613,842 alleles (0.00019%); highest among the groups gnomAD compares: African/African-American, 0.004%; no homozygotes.

Submission:

GeneDx
Classification: Likely benign. Last evaluated: 2017-09-01. Review status: criteria provided, single submitter. Criteria: GeneDx Variant Classification (06012015). Collection method: clinical testing. Allele origin: germline. Affected: yes.
Comment: This variant is considered likely benign or benign based on one or more of the following criteria: it is a conservative change, it occurs at a poorly conserved position in the protein, it is predicted to be benign by multiple in silico algorithms, and/or has population frequency not consistent with disease.

NM_018006.5(TRMU):c.772+11G>C

Gene: TRMU (tRNA mitochondrial 2-thiouridylase; plus strand). Cytogenetic location: 22q13.31.
Variant type: single nucleotide variant.
Coding change: c.772+11G>C on transcript NM_018006.5 (MANE Select); 11 bases into the intron after coding-DNA position 772, G replaced by C.
Molecular consequence: intron variant.
Genome position (GRCh38, 1-based): chr22:46,352,341, G>C. VCF-style: chr22-46352341-G-C. GRCh37 (hg19) VCF-style: chr22-46748238-G-C.
Other names: c.772+11G>C (NM_001282785.2); c.430+11G>C (NM_001282782.2); c.352+11G>C (NM_001282783.2, NM_001282784.2).
Identifiers: ClinVar variation 511597 (VCV000511597.1), dbSNP rs1262602634, ClinGen allele CA639832307.